The following is an entry in ClinVar:

ClinVar aggregate classification (germline): Uncertain significance (1 of 4 stars; one submission).

Conditions:
Cardiovascular phenotype. Identifiers: MedGen CN230736.

Submission:

Ambry Genetics
Classification: Uncertain significance for Cardiovascular phenotype. Last evaluated: 2025-02-22. Review status: criteria provided, single submitter. Criteria: Ambry Variant Classification Scheme 2023. Collection method: clinical testing. Allele origin: germline.
Comment: The c.2026-2A>T intronic variant results from an A to T substitution two nucleotides upstream from coding exon 34 in the COL1A2 gene. This nucleotide position is highly conserved in available vertebrate species. In silico splice site analysis predicts that this alteration will weaken the native splice acceptor site and will result in the creation or strengthening of a novel splice acceptor site. Alterations that disrupt the canonical splice site are expected to result in aberrant splicing. However, loss of function of COL1A2- related osteogenesis imperfecta/overlap disorder has not been established as a mechanism of disease, although biallelic loss of function of COL1A2 has been associated with cardiac valvular type Ehlers-Danlos syndrome. The resulting transcript is predicted to be in-frame and is not expected to trigger nonsense-mediated mRNA decay; although, direct evidence is unavailable. Based on the available evidence, the clinical significance of this alteration remains unclear.

NM_000089.4(COL1A2):c.2026-2A>T

Gene: COL1A2 (collagen type I alpha 2 chain; plus strand). Cytogenetic location: 7q21.3.
Variant type: single nucleotide variant.
Coding change: c.2026-2A>T on transcript NM_000089.4 (MANE Select); the canonical splice acceptor site of the intron before coding-DNA position 2026, A replaced by T.
Molecular consequence: splice acceptor variant.
Genome position (GRCh38, 1-based): chr7:94,419,496, A>T. VCF-style: chr7-94419496-A-T. GRCh37 (hg19) VCF-style: chr7-94048808-A-T.
Identifiers: ClinVar variation 3835096 (VCV003835096.1).
Genomic context (GRCh38, chr7:94,419,496, plus strand): 5'-CAAGGTTCACTTTTGATGATACGGGGTGTTATTAATAAGACATGTTTCCTTTTTGGTACT[A>T]GGGTGCTCCTGGTGCTGTAGGTGCCCCTGGTCCTGCTGGAGCCACAGGTGACCGGGTAAG-3'